The following is an entry in ClinVar:

ClinVar aggregate classification (germline): Uncertain significance. Review status: criteria provided, single submitter (1 of 4 stars). 2 submissions from 2 submitters: Uncertain significance (1). 1 of the submissions does not count toward it. Last evaluated 2018-08-27.

Conditions:
SCN3A-related disorder. Also called: SCN3A-related condition.

Submissions (2):

Labcorp Genetics (formerly Invitae), Labcorp
Classification: Uncertain significance. Last evaluated: 2018-08-27. Review status: criteria provided, single submitter. Criteria: Invitae Variant Classification Sherloc (09022015). Collection method: clinical testing. Allele origin: germline.
Comment: This variant has not been reported in the literature in individuals with SCN3A-related disease. Algorithms developed to predict the effect of missense changes on protein structure and function are either unavailable or do not agree on the potential impact of this missense change (SIFT: "Deleterious"; PolyPhen-2: "Probably Damaging"; Align-GVGD: "Class C0"). In summary, the available evidence is currently insufficient to determine the role of this variant in disease. Therefore, it has been classified as a Variant of Uncertain Significance. This sequence change replaces proline with serine at codon 1744 of the SCN3A protein (p.Pro1744Ser). The proline residue is moderately conserved and there is a moderate physicochemical difference between proline and serine. This variant is not present in population databases (ExAC no frequency).

PreventionGenetics, part of Exact Sciences
Classification: Uncertain significance for SCN3A-related condition. Last evaluated: 2024-06-20. Review status: no assertion criteria provided. Collection method: clinical testing. Allele origin: germline. Not counted in ClinVar's aggregate classification.
Comment: The SCN3A c.5230C>T variant is predicted to result in the amino acid substitution p.Pro1744Ser. To our knowledge, this variant has not been reported in the literature or in a large population database, indicating this variant is rare. At this time, the clinical significance of this variant is uncertain due to the absence of conclusive functional and genetic evidence.

NM_006922.4(SCN3A):c.5230C>T (p.Pro1744Ser)

Gene: SCN3A (sodium voltage-gated channel alpha subunit 3; minus strand). Cytogenetic location: 2q24.3.
Variant type: single nucleotide variant.
Coding change: c.5230C>T on transcript NM_006922.4 (MANE Select); coding-DNA position 5230, C replaced by T.
Protein change: p.Pro1744Ser; replaces proline 1744 with serine.
Molecular consequence: missense variant.
Genome position (GRCh38, 1-based): chr2:165,090,923, G>A on the plus strand (C>T on the coding strand, the complement: SCN3A is on the minus strand). VCF-style: chr2-165090923-G-A. GRCh37 (hg19) VCF-style: chr2-165947433-G-A.
Other names: c.5083C>T, p.Pro1695Ser (NM_001081676.2, NM_001081677.2); short protein forms P1744S, P1695S.
Identifiers: ClinVar variation 660575 (VCV000660575.9), dbSNP rs1574088733, ClinGen allele CA349016674.